The following is an entry in ClinVar:

ClinVar aggregate classification (germline): Uncertain significance. Review status: criteria provided, multiple submitters, no conflicts (2 of 4 stars). 2 submissions from 2 submitters: Uncertain significance (2). Last evaluated 2021-08-26.

Conditions:
Charcot-Marie-Tooth disease recessive intermediate C. Also called: CHARCOT-MARIE-TOOTH NEUROPATHY, RECESSIVE INTERMEDIATE C. Identifiers: Orphanet 369867, MedGen C3809309, MONDO:0014154, OMIM 615376.
Neuronopathy, distal hereditary motor, autosomal recessive 4. Also called: NEUROPATHY, DISTAL HEREDITARY MOTOR, AUTOSOMAL RECESSIVE 4; Autosomal recessive lower motor neuron disease with childhood onset. Identifiers: Orphanet 206580, MedGen C1970211, MONDO:0012608, OMIM 611067.
Inborn genetic diseases. Identifiers: MedGen C0950123, MeSH D030342.

Submissions (2):

Labcorp Genetics (formerly Invitae), Labcorp
Classification: Uncertain significance for Neuronopathy, distal hereditary motor, autosomal recessive 4; Charcot-Marie-Tooth disease recessive intermediate C. Last evaluated: 2021-08-26. Review status: criteria provided, single submitter. Criteria: Invitae Variant Classification Sherloc (09022015). Collection method: clinical testing. Allele origin: germline.
Comment: This variant, c.903_923del, results in the deletion of 7 amino acid(s) of the PLEKHG5 protein (p.Glu301_Glu307del), but otherwise preserves the integrity of the reading frame. This variant is not present in population databases (ExAC no frequency). This variant has not been reported in the literature in individuals affected with PLEKHG5-related conditions. Experimental studies and prediction algorithms are not available or were not evaluated, and the functional significance of this variant is currently unknown. In summary, the available evidence is currently insufficient to determine the role of this variant in disease. Therefore, it has been classified as a Variant of Uncertain Significance.

Ambry Genetics
Classification: Uncertain significance for Inborn genetic diseases. Last evaluated: 2020-11-17. Review status: criteria provided, single submitter. Criteria: Ambry Variant Classification Scheme 2023. Collection method: clinical testing. Allele origin: germline.
Comment: The c.903_923del21 variant (also known as p.E301_E307del) is located in coding exon 8 of the PLEKHG5 gene. This variant results from an in-frame deletion of 21 nucleotides at nucleotide positions 903 to 923. This results in the in-frame deletion of 7 amino acids at codons 301 to 307. This amino acid region is not well conserved in available vertebrate species. Since supporting evidence is limited at this time, the clinical significance of this alteration remains unclear.

NM_020631.6(PLEKHG5):c.903_923del (p.Glu301_Glu307del)

Gene: PLEKHG5 (pleckstrin homology and RhoGEF domain containing G5; minus strand). Cytogenetic location: 1p36.31.
Variant type: Deletion.
Coding change: c.903_923del on transcript NM_020631.6 (MANE Select); coding-DNA positions 903 to 923, 21 bases deleted (GGAGTACGATGAAGACGAGGA).
Protein change: p.Glu301_Glu307del.
Molecular consequence: inframe deletion. On other transcripts: inframe indel (5).
Genome position (GRCh38, 1-based): chr1:6,473,047-6,473,067, TCCTCGTCTTCATCGTACTCC deleted on the plus strand (GGAGTACGATGAAGACGAGGA on the coding strand, the reverse complement: PLEKHG5 is on the minus strand); deleting any 21 consecutive bases within chr1:6,473,047-6,473,072 gives the same sequence; the c. name uses the placement nearest the transcript's 3' end. VCF-style (leftmost placement, unchanged base first): chr1-6473046-ATCCTCGTCTTCATCGTACTCC-A. GRCh37 (hg19) VCF-style: chr1-6533106-ATCCTCGTCTTCATCGTACTCC-A.
Other names: c.903_923del21 (NM_020631.3); c.1014_1034del, p.Glu338_Glu344del (NM_001042663.3, NM_001265592.2); c.898_918del21, p.Glu301_Glu307del (NM_001042664.2, NM_001042665.2, NM_001265594.3); c.1105_1125del21, p.Glu370_Glu376del (NM_001265593.2); c.903_923del, p.Glu301_Glu307del (NM_198681.4).
Identifiers: ClinVar variation 969731 (VCV000969731.9), dbSNP rs1465693103, ClinGen allele CA521018843.
Genomic context (GRCh38, chr1:6,473,046, plus strand): 5'-CTCATGCCCATCAATGAGCTCCCGCCAGCTGTCCTCCAGCCTCAGGCAGGCATTGTCCTC[ATCCTCGTCTTCATCGTACTCC>A]TCCTCCCAGGAGTCATGGTCGAAGCGCAGCCCCCGGGGCAGCCTGGGCAGCCCGAAGAGG-3'